The following is an entry in ClinVar:

NM_001099922.3(ALG13):c.1327-19A>G

Gene: ALG13 (ALG13 UDP-N-acetylglucosaminyltransferase subunit; plus strand). Cytogenetic location: Xq23.
Variant type: single nucleotide variant.
Coding change: c.1327-19A>G on transcript NM_001099922.3 (MANE Select); 19 bases into the intron before coding-DNA position 1327, A replaced by G.
Molecular consequence: intron variant.
Genome position (GRCh38, 1-based): chrX:111,721,584, A>G. VCF-style: chrX-111721584-A-G. GRCh37 (hg19) VCF-style: chrX-110964812-A-G.
Other names: c.1015-19A>G (NM_001257237.2, NM_001257234.2, NM_001257230.2); c.1014+1414A>G (NM_001324293.1); c.1093-19A>G (NM_001257231.2); c.1327-19A>G (NM_001324292.2).
Identifiers: ClinVar variation 385246 (VCV000385246.13), dbSNP rs375412069, ClinGen allele CA10493704.

ClinVar aggregate classification (germline): Benign/Likely benign. Review status: criteria provided, multiple submitters, no conflicts (2 of 4 stars). 5 submissions from 5 submitters: Benign (2); Likely benign (3). Last evaluated 2026-01-26.

Conditions:
Developmental and epileptic encephalopathy, 36 (DEE36). Also called: ALG13-CDG; Congenital disorder of glycosylation, type Is; Epileptic encephalopathy, early infantile, 36. Identifiers: Orphanet 324422, MedGen C4317295, MONDO:0010472, OMIM 300884.

Allele frequency attached by ClinVar (database versions not stated): gnomAD exomes 0.00005 and 0.00009; ExAC 0.00047; gnomAD 0.00047 and 0.00048; TOPMed 0.00071; ESP Exome Variant Server 0.00111; 1000 Genomes Project 30x 0.00125; 1000 Genomes Project 0.00132.
gnomAD v4.1: 77 of 976,845 alleles (0.0079%); highest among the groups gnomAD compares: African/African-American, 0.14%; no homozygotes.

Submissions (5):

Labcorp Genetics (formerly Invitae), Labcorp
Classification: Benign for Developmental and epileptic encephalopathy, 36. Last evaluated: 2026-01-26. Review status: criteria provided, single submitter. Criteria: Invitae Variant Classification Sherloc (09022015). Collection method: clinical testing. Allele origin: germline.

Blueprint Genetics
Classification: Likely benign. Last evaluated: 2023-05-09. Review status: criteria provided, single submitter. Criteria: ACMG Guidelines, 2015. Collection method: clinical testing. Allele origin: germline.

Fulgent Genetics
Classification: Likely benign for Developmental and epileptic encephalopathy, 36. Last evaluated: 2022-02-01. Review status: criteria provided, single submitter. Criteria: ACMG Guidelines, 2015. Collection method: clinical testing. Allele origin: unknown.

Genome-Nilou Lab
Classification: Benign for Developmental and epileptic encephalopathy, 36. Last evaluated: 2021-12-05. Review status: criteria provided, single submitter. Criteria: ACMG Guidelines, 2015. Collection method: clinical testing. Allele origin: germline. Affected: no.

GeneDx
Classification: Likely benign. Last evaluated: 2016-04-07. Review status: criteria provided, single submitter. Criteria: GeneDx Variant Classification (06012015). Collection method: clinical testing. Allele origin: germline. Affected: yes.
Comment: This variant is considered likely benign or benign based on one or more of the following criteria: it is a conservative change, it occurs at a poorly conserved position in the protein, it is predicted to be benign by multiple in silico algorithms, and/or has population frequency not consistent with disease.